The following is an entry in ClinVar:

NM_198503.5(KCNT2):c.2028A>G (p.Pro676=)

Gene: KCNT2 (potassium sodium-activated channel subfamily T member 2; minus strand). Cytogenetic location: 1q31.3.
Variant type: single nucleotide variant.
Coding change: c.2028A>G on transcript NM_198503.5 (MANE Select); coding-DNA position 2028, A replaced by G.
Protein change: p.Pro676=; no amino-acid change (proline 676 retained).
Molecular consequence: synonymous variant. On other transcripts: non-coding transcript variant (2).
Genome position (GRCh38, 1-based): chr1:196,331,231, T>C on the plus strand (A>G on the coding strand, the complement: KCNT2 is on the minus strand). VCF-style: chr1-196331231-T-C. GRCh37 (hg19) VCF-style: chr1-196300361-T-C.
Other names: c.2028A>G, p.Pro676= (NM_001287819.3); c.1878A>G, p.Pro626= (NM_001287820.3).
Identifiers: ClinVar variation 3355510 (VCV003355510.1).
Genomic context (GRCh38, chr1:196,331,231, plus strand): 5'-GCAGCAAAATGGTACTTTTTCATGAAGGAGATGACAAAAAGTGGGTGAACTTCCTATATA[T>C]GGAGAATAAGGTGGGTAACCTTTAGCATACCTGTAAAATAATACAAAATATTACCCTTGG-3'
Protein context (NP_940905.2, residues 666-686): EYAKGYPPYS[Pro676=]YIGSSPTFCH

ClinVar aggregate classification (germline): Likely benign (0 of 4 stars; one submission).

Conditions:
KCNT2-related disorder. Also called: KCNT2-related condition. Identifiers: MedGen CN236796.

gnomAD v4.1: 5 of 1,604,000 alleles (0.00031%); highest among the groups gnomAD compares: Non-Finnish European, 0.00043%; no homozygotes.

Submission:

PreventionGenetics, part of Exact Sciences
Classification: Likely benign for KCNT2-related condition. Last evaluated: 2024-09-10. Review status: no assertion criteria provided. Collection method: clinical testing. Allele origin: germline.
Comment: This variant is classified as likely benign based on ACMG/AMP sequence variant interpretation guidelines (Richards et al. 2015 PMID: 25741868, with internal and published modifications).